The following is an entry in ClinVar:

NM_004360.5(CDH1):c.2471C>T (p.Ala824Val)

Gene: CDH1 (cadherin 1; plus strand). Cytogenetic location: 16q22.1.
Variant type: single nucleotide variant.
Coding change: c.2471C>T on transcript NM_004360.5 (MANE Select); coding-DNA position 2471, C replaced by T.
Protein change: p.Ala824Val; replaces alanine 824 with valine.
Molecular consequence: missense variant.
Genome position (GRCh38, 1-based): chr16:68,833,321, C>T. VCF-style: chr16-68833321-C-T. GRCh37 (hg19) VCF-style: chr16-68867224-C-T.
Other names: c.2471C>T (LRG_301t1); c.2288C>T, p.Ala763Val (NM_001317184.2); c.923C>T, p.Ala308Val (NM_001317185.2); c.506C>T, p.Ala169Val (NM_001317186.2); short protein forms A824V, A308V, A763V, A169V.
Identifiers: ClinVar variation 532456 (VCV000532456.13), dbSNP rs1450920019, ClinGen allele CA396472045.
Genomic context (GRCh38, chr16:68,833,321, plus strand): 5'-AAAAGATGCTTTTGTCCCTTCTTCTTTAGAATCTGAAAGCGGCTGATACTGACCCCACAG[C>T]CCCGCCTTATGATTCTCTGCTCGTGTTTGACTATGAAGGAAGCGGTTCCGAAGCTGCTAG-3'
Protein context (NP_004351.1, residues 814-834): NLKAADTDPT[Ala824Val]PPYDSLLVFD

ClinVar aggregate classification (germline): Uncertain significance. Review status: criteria provided, multiple submitters, no conflicts (2 of 4 stars). 3 submissions from 3 submitters: Uncertain significance (3). Last evaluated 2025-03-30.

Conditions:
Familial cancer of breast. Also called: BREAST CANCER, FAMILIAL; hereditary breast carcinoma; Hereditary breast cancer. Identifiers: Orphanet 227535, MedGen C0346153, MONDO:0016419, OMIM 114480. Disease mechanism: loss of function.
Hereditary cancer-predisposing syndrome. Also called: Neoplastic Syndromes, Hereditary; Hereditary neoplastic syndrome; Tumor predisposition; Hereditary Cancer Syndrome. Identifiers: Orphanet 140162, MedGen C0027672, MeSH D009386, MONDO:0015356.
Hereditary diffuse gastric adenocarcinoma (HDGC). Also called: DIFFUSE GASTRIC AND LOBULAR BREAST CANCER SYNDROME. Identifiers: Orphanet 26106, MedGen C1708349, MONDO:0007648, OMIM 137215.

Allele frequency attached by ClinVar (database versions not stated): gnomAD exomes below 0.00001.
gnomAD v4.1: 2 of 1,614,192 alleles (0.00012%); highest among the groups gnomAD compares: Middle Eastern, 0.017%; no homozygotes.

Submissions (3):

Labcorp Genetics (formerly Invitae), Labcorp
Classification: Uncertain significance for Hereditary diffuse gastric adenocarcinoma. Last evaluated: 2025-03-30. Review status: criteria provided, single submitter. Criteria: Invitae Variant Classification Sherloc (09022015). Collection method: clinical testing. Allele origin: germline.
Comment: This sequence change replaces alanine, which is neutral and non-polar, with valine, which is neutral and non-polar, at codon 824 of the CDH1 protein (p.Ala824Val). The frequency data for this variant in the population databases is considered unreliable, as metrics indicate poor data quality at this position in the gnomAD database. This variant has not been reported in the literature in individuals affected with CDH1-related conditions. ClinVar contains an entry for this variant (Variation ID: 532456). An algorithm developed to predict the effect of missense changes on protein structure and function (PolyPhen-2) suggests that this variant is likely to be disruptive. In summary, the available evidence is currently insufficient to determine the role of this variant in disease. Therefore, it has been classified as a Variant of Uncertain Significance.

Ambry Genetics
Classification: Uncertain significance for Hereditary cancer-predisposing syndrome. Last evaluated: 2024-05-03. Review status: criteria provided, single submitter. Criteria: Ambry Variant Classification Scheme 2023. Collection method: clinical testing. Allele origin: germline.
Comment: The p.A824V variant (also known as c.2471C>T), located in coding exon 16 of the CDH1 gene, results from a C to T substitution at nucleotide position 2471. The alanine at codon 824 is replaced by valine, an amino acid with similar properties. This amino acid position is highly conserved in available vertebrate species. In addition, the in silico prediction for this alteration is inconclusive. Based on the available evidence, the clinical significance of this variant remains unclear.

Baylor Genetics
Classification: Uncertain significance for Familial cancer of breast. Last evaluated: 2024-03-08. Review status: criteria provided, single submitter. Criteria: ACMG Guidelines, 2015. Collection method: clinical testing. Allele origin: unknown.